The following is an entry in ClinVar:

NM_004259.7(RECQL5):c.2506G>A (p.Asp836Asn)

Gene: RECQL5 (RecQ like helicase 5; minus strand). Cytogenetic location: 17q25.1.
Variant type: single nucleotide variant.
Coding change: c.2506G>A on transcript NM_004259.7 (MANE Select); coding-DNA position 2506, G replaced by A.
Protein change: p.Asp836Asn; replaces aspartic acid 836 with asparagine.
Molecular consequence: missense variant.
Genome position (GRCh38, 1-based): chr17:75,628,746, C>T on the plus strand (G>A on the coding strand, the complement: RECQL5 is on the minus strand). VCF-style: chr17-75628746-C-T. GRCh37 (hg19) VCF-style: chr17-73624826-C-T.
Other names: short protein forms D836N.
Identifiers: ClinVar variation 2461300 (VCV002461300.5), dbSNP rs374476092, ClinGen allele CA8767018.

ClinVar aggregate classification (germline): Uncertain significance. Review status: criteria provided, single submitter (1 of 4 stars). 2 submissions from 2 submitters: Uncertain significance (1). 1 of the submissions does not count toward it. Last evaluated 2025-08-13.

Conditions:
RECQL5-related disorder. Also called: RECQL5-related condition.

Allele frequency attached by ClinVar (database versions not stated): ExAC 0.00005; gnomAD 0.00009; TOPMed 0.00009; gnomAD exomes 0.00018; ESP Exome Variant Server 0.00024.
gnomAD v4.1: 281 of 1,592,548 alleles (0.018%); highest among the groups gnomAD compares: Non-Finnish European, 0.022%; no homozygotes.

Submissions (2):

Ambry Genetics
Classification: Uncertain significance. Last evaluated: 2025-08-13. Review status: criteria provided, single submitter. Criteria: Ambry Variant Classification Scheme 2023. Collection method: clinical testing. Allele origin: germline.

PreventionGenetics, part of Exact Sciences
Classification: Uncertain significance for RECQL5-related condition. Last evaluated: 2024-07-12. Review status: no assertion criteria provided. Collection method: clinical testing. Allele origin: germline. Not counted in ClinVar's aggregate classification.
Comment: The RECQL5 c.2506G>A variant is predicted to result in the amino acid substitution p.Asp836Asn. To our knowledge, this variant has not been reported in the literature. This variant is reported in 0.013% of alleles in individuals of African descent in gnomAD. This variant is classified as a variant of uncertain significance in ClinVar. At this time, the clinical significance of this variant is uncertain due to the absence of conclusive functional and genetic evidence.